The following is an entry in ClinVar:

ClinVar aggregate classification (germline): Conflicting classifications of pathogenicity. Review status: criteria provided, conflicting classifications (1 of 4 stars). 2 submissions from 2 submitters: Likely pathogenic (1); Uncertain significance (1). Last evaluated 2023-06-27.

Conditions:
Hereditary cancer-predisposing syndrome. Also called: Neoplastic Syndromes, Hereditary; Tumor predisposition; Hereditary neoplastic syndrome; Hereditary Cancer Syndrome. Identifiers: Orphanet 140162, MedGen C0027672, MeSH D009386, MONDO:0015356.
Tuberous sclerosis 1 (TSC1). Identifiers: Orphanet 805, MedGen C1854465, MONDO:0008612, OMIM 191100.

Submissions (2):

Labcorp Genetics (formerly Invitae), Labcorp
Classification: Likely pathogenic for Tuberous sclerosis 1. Last evaluated: 2023-06-27. Review status: criteria provided, single submitter. Criteria: Invitae Variant Classification Sherloc (09022015). Collection method: clinical testing. Allele origin: germline.
Comment: In summary, the currently available evidence indicates that the variant is pathogenic, but additional data are needed to prove that conclusively. Therefore, this variant has been classified as Likely Pathogenic. Studies have shown that disruption of this splice site results in the activation of a cryptic splice site in exon 19 (Invitae). ClinVar contains an entry for this variant (Variation ID: 1792263). Disruption of this splice site has been observed in individual(s) with clinical features of tuberous sclerosis complex (Invitae). In at least one individual the variant was observed to be de novo. This variant is not present in population databases (gnomAD no frequency). This sequence change affects a donor splice site in intron 19 of the TSC1 gene. RNA analysis indicates that disruption of this splice site induces altered splicing and likely results in the loss of 14 amino acid residue(s), but is expected to preserve the integrity of the reading-frame.

Ambry Genetics
Classification: Uncertain significance for Hereditary cancer-predisposing syndrome. Last evaluated: 2021-07-02. Review status: criteria provided, single submitter. Criteria: Ambry Variant Classification Scheme 2023. Collection method: clinical testing. Allele origin: germline.
Comment: The c.2502+1G>A intronic variant results from a G to A substitution one nucleotide after coding exon 17 of the TSC1 gene. Alterations that disrupt the canonical splice site are expected to cause aberrant splicing. In silico splice site analysis predicts that this alteration will weaken the native splice donor site and will result in the creation or strengthening of a novel splice donor site. RNA studies have demonstrated that this alteration results in a transcript predicted to lead to a protein with an in-frame deletion of 14 amino acids; however, the exact functional impact of the deleted amino acids is unknown at this time (Ambry internal data). This nucleotide position is highly conserved in available vertebrate species. Since supporting evidence is limited at this time, the clinical significance of this alteration remains unclear.

NM_000368.5(TSC1):c.2502+1G>A

Gene: TSC1 (TSC complex subunit 1; minus strand). Cytogenetic location: 9q34.13.
Variant type: single nucleotide variant.
Coding change: c.2502+1G>A on transcript NM_000368.5 (MANE Select); the canonical splice donor site of the intron after coding-DNA position 2502, G replaced by A.
Molecular consequence: splice donor variant. On other transcripts: intron variant (8).
Genome position (GRCh38, 1-based): chr9:132,901,588, C>T on the plus strand (G>A on the coding strand, the complement: TSC1 is on the minus strand). VCF-style: chr9-132901588-C-T. GRCh37 (hg19) VCF-style: chr9-135776975-C-T.
Other names: c.2139+1G>A (NM_001362177.2, NM_001406614.1, NM_001406618.1 and 4 more transcripts); c.2346+1G>A (NM_001406611.1, NM_001406612.1); c.2349+1G>A (NM_001162427.2, NM_001406610.1); c.1548+1G>A (NM_001406628.1, NM_001406627.1); c.1551+1G>A (NM_001406626.1); c.2484+1G>A (NM_001406604.1, NM_001406603.1); c.2457+43G>A (NM_001406608.1, NM_001406609.1); c.2499+1G>A (NM_001162426.2, NM_001406597.1, NM_001406600.1 and 2 more transcripts); and 8 more.
Identifiers: ClinVar variation 1792263 (VCV001792263.5), dbSNP rs2131702478, ClinGen allele CA375358238.